The following is an entry in ClinVar:

NM_003041.4(SLC5A2):c.736C>T (p.Pro246Ser)

Gene: SLC5A2 (solute carrier family 5 member 2; plus strand). Cytogenetic location: 16p11.2.
Variant type: single nucleotide variant.
Coding change: c.736C>T on transcript NM_003041.4 (MANE Select); coding-DNA position 736, C replaced by T.
Protein change: p.Pro246Ser; replaces proline 246 with serine.
Molecular consequence: missense variant. On other transcripts: non-coding transcript variant (1).
Genome position (GRCh38, 1-based): chr16:31,487,610, C>T. VCF-style: chr16-31487610-C-T. GRCh37 (hg19) VCF-style: chr16-31498931-C-T.
Other names: short protein forms P246S.
Identifiers: ClinVar variation 5005578 (VCV005005578.2).

ClinVar aggregate classification (germline): Uncertain significance (1 of 4 stars; one submission).

Conditions:
Familial renal glucosuria (GLYS). Also called: Familial renal glycosuria; RENAL GLUCOSURIA, AUTOSOMAL DOMINANT. Identifiers: Orphanet 69076, MedGen C3245525, MONDO:0009297, OMIM 233100.

gnomAD v4.1: 44 of 1,614,004 alleles (0.0027%); highest among the groups gnomAD compares: East Asian, 0.022%; no homozygotes.

Submission:

Juno Genomics, Hangzhou Juno Genomics, Inc
Classification: Uncertain significance for Familial renal glucosuria. Review status: criteria provided, single submitter. Criteria: ACMG Guidelines, 2015. Collection method: clinical testing. Allele origin: germline.
Comment: Absent from controls (or at extremely low frequency if recessive) in Genome Aggregation Database.